The following is an entry in ClinVar:

ClinVar aggregate classification (germline): Likely benign (0 of 4 stars; one submission).

Conditions:
DRD5-related disorder. Also called: DRD5-related condition.

gnomAD v4.1: 111 of 1,458,804 alleles (0.0076%); highest among the groups gnomAD compares: South Asian, 0.088%; no homozygotes.

Submission:

PreventionGenetics, part of Exact Sciences
Classification: Likely benign for DRD5-related condition. Last evaluated: 2020-02-26. Review status: no assertion criteria provided. Collection method: clinical testing. Allele origin: germline.
Comment: This variant is classified as likely benign based on ACMG/AMP sequence variant interpretation guidelines (Richards et al. 2015 PMID: 25741868, with internal and published modifications).

NM_000798.5(DRD5):c.-5C>G

Genes: DRD5 (dopamine receptor D5; plus strand), SLC2A9 (solute carrier family 2 member 9; minus strand). Cytogenetic location: 4p16.1.
Variant type: single nucleotide variant.
Coding change: c.-5C>G on transcript NM_000798.5 (MANE Select); 5 bases upstream of the start codon, C replaced by G.
Molecular consequence: 5 prime UTR variant.
Genome position (GRCh38, 1-based): chr4:9,782,025, C>G. VCF-style: chr4-9782025-C-G. GRCh37 (hg19) VCF-style: chr4-9783649-C-G.
Identifiers: ClinVar variation 3040751 (VCV003040751.2), dbSNP rs200812406, ClinGen allele CA2856382.
Genomic context (GRCh38, chr4:9,782,025, plus strand): 5'-CTGCCTGGGGGTCGCAGGGCTGAAGTTGGGACCGCGCACAGACCGCCCCTGCAGTCCAGC[C>G]CGAAATGCTGCCGCCAGGCAGCAACGGCACCGCGTACCCGGGGCAGTTCGCTCTATACCA-3'